The following is an entry in ClinVar:

NM_002335.4(LRP5):c.70G>C (p.Gly24Arg)

Gene: LRP5 (LDL receptor related protein 5; plus strand). Cytogenetic location: 11q13.2.
Variant type: single nucleotide variant.
Coding change: c.70G>C on transcript NM_002335.4 (MANE Select); coding-DNA position 70, G replaced by C.
Protein change: p.Gly24Arg; replaces glycine 24 with arginine.
Molecular consequence: missense variant. On other transcripts: 5 prime UTR variant (1).
Genome position (GRCh38, 1-based): chr11:68,312,784, G>C. VCF-style: chr11-68312784-G-C. GRCh37 (hg19) VCF-style: chr11-68080252-G-C.
Other names: c.-1696G>C (NM_001291902.2); short protein forms G24R.
Identifiers: ClinVar variation 4800442 (VCV004800442.1).
Genomic context (GRCh38, chr11:68,312,784, plus strand): 5'-GCGCCGCCCGGGCCGCCGTGGCCGCTGCTGCTGCTGCTGCTGCTGCTGCTGGCGCTGTGC[G>C]GCTGCCCGGCCCCCGCCGCGGGTAGGTGGGCGCAGGCCGGCCGGGGGCCGCGGGTTGCTC-3'
Protein context (NP_002326.2, residues 14-34): LLLLLLLALC[Gly24Arg]CPAPAAASPL

ClinVar aggregate classification (germline): Uncertain significance (1 of 4 stars; one submission).

gnomAD v4.1: 1 of 1,083,356 alleles (0.000092%); no homozygotes.

Submission:

Labcorp Genetics (formerly Invitae), Labcorp
Classification: Uncertain significance. Last evaluated: 2025-10-18. Review status: criteria provided, single submitter. Criteria: Invitae Variant Classification Sherloc (09022015). Collection method: clinical testing. Allele origin: germline.
Comment: This sequence change replaces glycine, which is neutral and non-polar, with arginine, which is basic and polar, at codon 24 of the LRP5 protein (p.Gly24Arg). This variant is not present in population databases (gnomAD no frequency). This variant has not been reported in the literature in individuals affected with LRP5-related conditions. Invitae Evidence Modeling of protein sequence and biophysical properties (such as structural, functional, and spatial information, amino acid conservation, physicochemical variation, residue mobility, and thermodynamic stability) indicates that this missense variant is not expected to disrupt LRP5 protein function with a negative predictive value of 95%. In summary, the available evidence is currently insufficient to determine the role of this variant in disease. Therefore, it has been classified as a Variant of Uncertain Significance.